The following is an entry in ClinVar:

ClinVar aggregate classification (germline): Likely benign (1 of 4 stars; one submission).

Submission:

CeGaT Center for Human Genetics Tuebingen
Classification: Likely benign. Last evaluated: 2025-10-01. Review status: criteria provided, single submitter. Criteria: CeGaT Center For Human Genetics Tuebingen Variant Classification Criteria Version 2. Collection method: clinical testing. Allele origin: germline. Affected: yes. Observed: 1 variant allele.
Comment: NACA: PM2:Supporting, BP4, BP7

NM_001365896.1(NACA):c.3627A>G (p.Leu1209=)

Gene: NACA (nascent polypeptide associated complex subunit alpha; minus strand). Cytogenetic location: 12q13.3.
Variant type: single nucleotide variant.
Coding change: c.3627A>G on transcript NM_001365896.1 (MANE Select); coding-DNA position 3627, A replaced by G.
Protein change: p.Leu1209=; no amino-acid change (leucine 1209 retained).
Molecular consequence: synonymous variant. On other transcripts: intron variant (6).
Genome position (GRCh38, 1-based): chr12:56,717,903, T>C on the plus strand (A>G on the coding strand, the complement: NACA is on the minus strand). VCF-style: chr12-56717903-T-C. GRCh37 (hg19) VCF-style: chr12-57111687-T-C.
Other names: c.71-3216A>G (NM_001113202.2, NM_001320194.2, NM_001320193.2 and 2 more transcripts); c.1864+1634A>G (NM_001113203.3).
Identifiers: ClinVar variation 4533839 (VCV004533839.6).
Genomic context (GRCh38, chr12:56,717,903, plus strand): 5'-TTTTGGGGAGGGAGGAGTTGCAGCTGGGGTTGTGGGGGCCCCTTTGGGGGATGGGGTAGC[T>C]AGACCTCCTTTTGGGGAGGGAGGAGTTGCAGCTGGGGTTGTGGGGGCCCCTTTGGGGGAT-3'
Protein context (NP_001352825.1, residues 1199-1219): AATPPSPKGG[Leu1209=]ATPSPKGAPT